The following is an entry in ClinVar:

NM_000030.3(AGXT):c.823_824del (p.Ser275fs)

Gene: AGXT (alanine--glyoxylate aminotransferase; plus strand). Cytogenetic location: 2q37.3.
Variant type: Microsatellite.
Coding change: c.823_824del on transcript NM_000030.3 (MANE Select); coding-DNA positions 823 to 824, 2 bases deleted (AG; older notation c.823_824delAG).
Protein change: p.Ser275fs; shifts the reading frame from serine 275.
Molecular consequence: frameshift variant.
Genome position (GRCh38, 1-based): chr2:240,875,981-240,875,982, AG deleted; deleting any 2 consecutive bases within chr2:240,875,974-240,875,982 gives the same sequence; the c. name uses the placement nearest the transcript's 3' end. VCF-style (leftmost placement, unchanged base first): chr2-240875973-TGA-T. GRCh37 (hg19) VCF-style: chr2-241815390-TGA-T.
Other names: short protein forms S275fs.
Identifiers: ClinVar variation 1074073 (VCV001074073.7), dbSNP rs180177273, ClinGen allele CA540537272.

ClinVar aggregate classification (germline): Pathogenic (1 of 4 stars; one submission).

Submission:

Labcorp Genetics (formerly Invitae), Labcorp
Classification: Pathogenic. Last evaluated: 2021-04-04. Review status: criteria provided, single submitter. Criteria: Invitae Variant Classification Sherloc (09022015). Collection method: clinical testing. Allele origin: germline.
Comment: This variant is not present in population databases (ExAC no frequency). For these reasons, this variant has been classified as Pathogenic. This variant has not been reported in the literature in individuals with AGXT-related conditions. This sequence change creates a premature translational stop signal (p.Ser275Profs*56) in the AGXT gene. It is expected to result in an absent or disrupted protein product. Loss-of-function variants in AGXT are known to be pathogenic (PMID: 19479957).

Literature cited by the submitters: PubMed 19479957.